The following is an entry in ClinVar:

ClinVar aggregate classification (germline): Pathogenic (1 of 4 stars; one submission).

Conditions:
Cystic fibrosis (CF). Also called: MUCOVISCIDOSIS. Identifiers: Orphanet 586, MedGen C0010674, MONDO:0009061, OMIM 219700. Disease mechanism: loss of function.

Submission:

Women's Health and Genetics/Laboratory Corporation of America, LabCorp
Classification: Pathogenic for Cystic fibrosis. Last evaluated: 2024-05-17. Review status: criteria provided, single submitter. Criteria: LabCorp Variant Classification Summary - May 2015. Collection method: clinical testing. Allele origin: germline.
Comment: Variant summary: The variant involves the deletion of exons 24-27 in the CFTR gene (legacy numbering: exon 21-24 deletion). A presumed nomenclature of c.(3873+1_3874-1)_(*1558_?)del has been designated for the purposes of this classification. The exact breakpoint at the distal 3' end of this variant is unknown, therefore this deletion may extend downstream of the annotated region of the gene. As it encompasses the termination codon, it is predicted to escape nonsense mediated decay (NMD). The variant was absent in 120780 control chromosomes in the gnomAD database (Structural Variants v4.0 dataset). To our knowledge, no occurrence of c.(3873+1_3874-1)_(*1558_?)del in individuals affected with Cystic Fibrosis and no experimental evidence demonstrating its impact on protein function have been reported. However, this deletion is predicted to remove a large C-terminal portion of the protein, which affects the second AAA+ ATPase domain (amino acids 1236-1418; IPR003593) of the CFTR protein. In addition, missense changes, truncations, and smaller deletions within the affected protein region have been classified as pathogenic by our laboratory. No submitters have cited clinical-significance assessments for this variant to ClinVar. Based on the evidence outlined above, the variant was classified as pathogenic.

NC_000007.13:g.(117282648_117292895)_(117308720_?)del

Gene: CFTR (CF transmembrane conductance regulator; plus strand). Cytogenetic location: 7q31.2.
Variant type: Deletion.
Identifiers: ClinVar variation 3336520 (VCV003336520.1).